The following is an entry in ClinVar:

NM_005908.4(MANBA):c.1550C>T (p.Ala517Val)

Gene: MANBA (mannosidase beta; minus strand). Cytogenetic location: 4q24.
Variant type: single nucleotide variant.
Coding change: c.1550C>T on transcript NM_005908.4 (MANE Select); coding-DNA position 1550, C replaced by T.
Protein change: p.Ala517Val; replaces alanine 517 with valine.
Molecular consequence: missense variant.
Genome position (GRCh38, 1-based): chr4:102,657,836, G>A on the plus strand (C>T on the coding strand, the complement: MANBA is on the minus strand). VCF-style: chr4-102657836-G-A. GRCh37 (hg19) VCF-style: chr4-103578993-G-A.
Other names: short protein forms A517V.
Identifiers: ClinVar variation 1986801 (VCV001986801.3), dbSNP rs748994375, ClinGen allele CA3026861.

ClinVar aggregate classification (germline): Uncertain significance (1 of 4 stars; one submission).

Conditions:
Beta-D-mannosidosis (MANSB). Also called: MANNOSIDOSIS, BETA A, LYSOSOMAL; BETA-MANNOSIDASE DEFICIENCY; LYSOSOMAL BETA-MANNOSIDASE DEFICIENCY; Beta-Mannosidosis. Identifiers: Orphanet 118, MedGen C4048196, MONDO:0009562, OMIM 248510.

Allele frequency attached by ClinVar (database versions not stated): ExAC 0.00002.
gnomAD v4.1: 16 of 1,613,772 alleles (0.00099%); highest among the groups gnomAD compares: Admixed American, 0.0033%; no homozygotes.

Submission:

Labcorp Genetics (formerly Invitae), Labcorp
Classification: Uncertain significance for Beta-D-mannosidosis. Last evaluated: 2024-05-18. Review status: criteria provided, single submitter. Criteria: Invitae Variant Classification Sherloc (09022015). Collection method: clinical testing. Allele origin: germline.
Comment: This sequence change replaces alanine, which is neutral and non-polar, with valine, which is neutral and non-polar, at codon 517 of the MANBA protein (p.Ala517Val). This variant is present in population databases (rs748994375, gnomAD 0.01%). This variant has not been reported in the literature in individuals affected with MANBA-related conditions. ClinVar contains an entry for this variant (Variation ID: 1986801). An algorithm developed to predict the effect of missense changes on protein structure and function (PolyPhen-2) suggests that this variant is likely to be tolerated. In summary, the available evidence is currently insufficient to determine the role of this variant in disease. Therefore, it has been classified as a Variant of Uncertain Significance.